The following is an entry in ClinVar:

ClinVar aggregate classification (germline): Benign/Likely benign. Review status: criteria provided, multiple submitters, no conflicts (2 of 4 stars). 3 submissions from 3 submitters: Benign (1); Likely benign (1). 1 of the submissions does not count toward it. Last evaluated 2025-11-24.

Conditions:
KMT2D-related disorder. Also called: KMT2D-Related Disorders.
Kabuki syndrome. Also called: Kabuki make-up syndrome; NIIKAWA-KUROKI SYNDROME. Identifiers: MedGen C0796004, MONDO:0016512, Orphanet 2322.

Allele frequency attached by ClinVar (database versions not stated): gnomAD exomes 0.00001; ExAC 0.00002; gnomAD 0.00004 and 0.00005; TOPMed 0.00004; 1000 Genomes Project 30x 0.00016.
gnomAD v4.1: 25 of 1,542,276 alleles (0.0016%); highest among the groups gnomAD compares: African/African-American, 0.0055%; no homozygotes.

Submissions (3):

Labcorp Genetics (formerly Invitae), Labcorp
Classification: Benign for Kabuki syndrome. Last evaluated: 2025-11-24. Review status: criteria provided, single submitter. Criteria: Invitae Variant Classification Sherloc (09022015). Collection method: clinical testing. Allele origin: germline.

Blueprint Genetics
Classification: Likely benign. Last evaluated: 2024-11-26. Review status: criteria provided, single submitter. Criteria: ACMG Guidelines, 2015. Collection method: clinical testing. Allele origin: germline.

PreventionGenetics, part of Exact Sciences
Classification: Uncertain significance for KMT2D-related condition. Last evaluated: 2024-04-12. Review status: no assertion criteria provided. Collection method: clinical testing. Allele origin: germline. Not counted in ClinVar's aggregate classification.
Comment: The KMT2D c.1298C>T variant is predicted to result in the amino acid substitution p.Pro433Leu. This variant has been reported in an individual with ovarian cyst and this individual also has the c.139G>A (p.Glu47Lys; aka p.E47K) (NM_021140) variant in KDM6A (Table 2 of Brauner et al. 2021. PubMed ID: 34055685). This variant is reported in 0.0029% of alleles in individuals of European (Non-Finnish) descent in gnomAD. At this time, the clinical significance of this variant is uncertain due to the absence of conclusive functional and genetic evidence.

NM_003482.4(KMT2D):c.1298C>T (p.Pro433Leu)

Gene: KMT2D (lysine methyltransferase 2D; minus strand). Cytogenetic location: 12q13.12.
Variant type: single nucleotide variant.
Coding change: c.1298C>T on transcript NM_003482.4 (MANE Select); coding-DNA position 1298, C replaced by T.
Protein change: p.Pro433Leu; replaces proline 433 with leucine.
Molecular consequence: missense variant.
Genome position (GRCh38, 1-based): chr12:49,052,385, G>A on the plus strand (C>T on the coding strand, the complement: KMT2D is on the minus strand). VCF-style: chr12-49052385-G-A. GRCh37 (hg19) VCF-style: chr12-49446168-G-A.
Other names: c.1298C>T (NM_003482.3); short protein forms P433L.
Identifiers: ClinVar variation 1509140 (VCV001509140.10), dbSNP rs759548512, ClinGen allele CA6548515.